The following is an entry in ClinVar:

NM_001382430.1(AKT1):c.566A>T (p.Lys189Met)

Gene: AKT1 (AKT serine/threonine kinase 1; minus strand). Cytogenetic location: 14q32.33.
Variant type: single nucleotide variant.
Coding change: c.566A>T on transcript NM_001382430.1 (MANE Select); coding-DNA position 566, A replaced by T.
Protein change: p.Lys189Met; replaces lysine 189 with methionine.
Molecular consequence: missense variant.
Genome position (GRCh38, 1-based): chr14:104,775,077, T>A on the plus strand (A>T on the coding strand, the complement: AKT1 is on the minus strand). VCF-style: chr14-104775077-T-A. GRCh37 (hg19) VCF-style: chr14-105241414-T-A.
Other names: c.566A>T, p.Lys189Met (NM_001014431.2, NM_001014432.2, NM_001382431.1 and 3 more transcripts); short protein forms K189M.
Identifiers: ClinVar variation 1748947 (VCV001748947.2), dbSNP rs1892626748, ClinGen allele CA391219306.
Genomic context (GRCh38, chr14:104,775,077, plus strand): 5'-CTGGGTGAGCTGCCACCCCGCACCCTCATCTCCACCCTGCCCCACCGCCCCGGCCCCACC[T>A]TGGCCACGATGACTTCCTTCTTGAGGATCTTCATGGCGTAGTAGCGGCCTGTGGCCTTCT-3'
Protein context (NP_001369359.1, residues 179-199): KILKKEVIVA[Lys189Met]DEVAHTLTEN

ClinVar aggregate classification (germline): Uncertain significance (1 of 4 stars; one submission).

Conditions:
Inborn genetic diseases. Identifiers: MedGen C0950123, MeSH D030342.

Submission:

Ambry Genetics
Classification: Uncertain significance for Inborn genetic diseases. Last evaluated: 2021-12-11. Review status: criteria provided, single submitter. Criteria: Ambry Variant Classification Scheme 2023. Collection method: clinical testing. Allele origin: germline.
Comment: The p.K189M variant (also known as c.566A>T), located in coding exon 5 of the AKT1 gene, results from an A to T substitution at nucleotide position 566. The lysine at codon 189 is replaced by methionine, an amino acid with similar properties. This amino acid position is conserved. In addition, the in silico prediction for this alteration is inconclusive. Since supporting evidence is limited at this time, the clinical significance of this alteration remains unclear.